The following is an entry in ClinVar:

ClinVar aggregate classification (germline): Uncertain significance (1 of 4 stars; one submission).

Submission:

Labcorp Genetics (formerly Invitae), Labcorp
Classification: Uncertain significance. Last evaluated: 2025-04-17. Review status: criteria provided, single submitter. Criteria: Invitae Variant Classification Sherloc (09022015). Collection method: clinical testing. Allele origin: germline.
Comment: This sequence change replaces methionine, which is neutral and non-polar, with threonine, which is neutral and polar, at codon 191 of the SNRNP200 protein (p.Met191Thr). This variant is not present in population databases (gnomAD no frequency). This variant has not been reported in the literature in individuals affected with SNRNP200-related conditions. Invitae Evidence Modeling of protein sequence and biophysical properties (such as structural, functional, and spatial information, amino acid conservation, physicochemical variation, residue mobility, and thermodynamic stability) indicates that this missense variant is not expected to disrupt SNRNP200 protein function with a negative predictive value of 95%. In summary, the available evidence is currently insufficient to determine the role of this variant in disease. Therefore, it has been classified as a Variant of Uncertain Significance.

NM_014014.5(SNRNP200):c.572T>C (p.Met191Thr)

Gene: SNRNP200 (small nuclear ribonucleoprotein U5 subunit 200; minus strand). Cytogenetic location: 2q11.2.
Variant type: single nucleotide variant.
Coding change: c.572T>C on transcript NM_014014.5 (MANE Select); coding-DNA position 572, T replaced by C.
Protein change: p.Met191Thr; replaces methionine 191 with threonine.
Molecular consequence: missense variant.
Genome position (GRCh38, 1-based): chr2:96,301,526, A>G on the plus strand (T>C on the coding strand, the complement: SNRNP200 is on the minus strand). VCF-style: chr2-96301526-A-G. GRCh37 (hg19) VCF-style: chr2-96967264-A-G.
Other names: short protein forms M191T.
Identifiers: ClinVar variation 4702797 (VCV004702797.1).